The following is an entry in ClinVar:

ClinVar aggregate classification (germline): Likely benign. Review status: criteria provided, single submitter (1 of 4 stars). 2 submissions from 2 submitters: Likely benign (1). 1 of the submissions does not count toward it. Last evaluated 2025-07-02.

Conditions:
DGKD-related disorder. Also called: DGKD-related condition.

Allele frequency attached by ClinVar (database versions not stated): gnomAD exomes 0.07399; ExAC 0.08371; gnomAD 0.09344; TOPMed 0.09491; ESP Exome Variant Server 0.10011; 1000 Genomes Project 0.11222; 1000 Genomes Project 30x 0.11477.
gnomAD v4.1: 122,837 of 1,613,162 alleles (7.6%); highest among the groups gnomAD compares: African/African-American, 16%; 5,253 homozygotes.

Submissions (2):

Ambry Genetics
Classification: Likely benign. Last evaluated: 2025-07-02. Review status: criteria provided, single submitter. Criteria: Ambry Variant Classification Scheme 2023. Collection method: clinical testing. Allele origin: germline.

PreventionGenetics, part of Exact Sciences
Classification: Benign for DGKD-related condition. Last evaluated: 2019-02-19. Review status: no assertion criteria provided. Collection method: clinical testing. Allele origin: germline. Not counted in ClinVar's aggregate classification.
Comment: This variant is classified as benign based on ACMG/AMP sequence variant interpretation guidelines (Richards et al. 2015 PMID: 25741868, with internal and published modifications).

NM_152879.3(DGKD):c.1246C>T (p.Leu416=)

Gene: DGKD (diacylglycerol kinase delta; plus strand). Cytogenetic location: 2q37.1.
Variant type: single nucleotide variant.
Coding change: c.1246C>T on transcript NM_152879.3 (MANE Select); coding-DNA position 1246, C replaced by T.
Protein change: p.Leu416=; no amino-acid change (leucine 416 retained).
Molecular consequence: synonymous variant.
Genome position (GRCh38, 1-based): chr2:233,445,674, C>T. VCF-style: chr2-233445674-C-T. GRCh37 (hg19) VCF-style: chr2-234354320-C-T.
Other names: c.847C>T, p.Leu283= (NM_001377259.1); c.1114C>T, p.Leu372= (NM_003648.3).
Identifiers: ClinVar variation 3060674 (VCV003060674.3), dbSNP rs2305541, ClinGen allele CA2175170.